The following is an entry in ClinVar:

ClinVar aggregate classification (germline): Uncertain significance (1 of 4 stars; one submission).

Allele frequency attached by ClinVar (database versions not stated): gnomAD exomes below 0.00001; TOPMed below 0.00001; gnomAD 0.00001.
gnomAD v4.1: 7 of 1,608,018 alleles (0.00044%); highest among the groups gnomAD compares: Non-Finnish European, 0.00059%; no homozygotes.

Submission:

Labcorp Genetics (formerly Invitae), Labcorp
Classification: Uncertain significance. Last evaluated: 2022-06-27. Review status: criteria provided, single submitter. Criteria: Invitae Variant Classification Sherloc (09022015). Collection method: clinical testing. Allele origin: germline.
Comment: Advanced modeling of protein sequence and biophysical properties (such as structural, functional, and spatial information, amino acid conservation, physicochemical variation, residue mobility, and thermodynamic stability) performed at Invitae indicates that this missense variant is not expected to disrupt SMARCA2 protein function. In summary, the available evidence is currently insufficient to determine the role of this variant in disease. Therefore, it has been classified as a Variant of Uncertain Significance. This variant has not been reported in the literature in individuals affected with SMARCA2-related conditions. The frequency data for this variant in the population databases is considered unreliable, as metrics indicate poor data quality at this position in the gnomAD database. This sequence change replaces glutamine, which is neutral and polar, with proline, which is neutral and non-polar, at codon 237 of the SMARCA2 protein (p.Gln237Pro).

NM_003070.5(SMARCA2):c.710A>C (p.Gln237Pro)

Gene: SMARCA2 (SWI/SNF related BAF chromatin remodeling complex subunit ATPase 2; plus strand). Cytogenetic location: 9p24.3.
Variant type: single nucleotide variant.
Coding change: c.710A>C on transcript NM_003070.5 (MANE Select); coding-DNA position 710, A replaced by C.
Protein change: p.Gln237Pro; replaces glutamine 237 with proline.
Molecular consequence: missense variant.
Genome position (GRCh38, 1-based): chr9:2,039,820, A>C. VCF-style: chr9-2039820-A-C. GRCh37 (hg19) VCF-style: chr9-2039820-A-C.
Other names: c.710A>C, p.Gln237Pro (NM_001289396.2, NM_001289397.2, NM_139045.4); short protein forms Q237P.
Identifiers: ClinVar variation 1359009 (VCV001359009.8), dbSNP rs1475414100, ClinGen allele CA372780503.
Genomic context (GRCh38, chr9:2,039,820, plus strand): 5'-AACAACAGCAGCAGCAACAGCAGCAGCAGCAGCAGCAGCAGCAGCAGCAGCAGCAGCAAC[A>C]GCAGCCGCAGCAGCAGCCGCCGCAACCACAGACGCAGCAACAACAGCAGCCGGCCCTTGT-3'
Protein context (NP_003061.3, residues 227-247): QQQQQQQQQQ[Gln237Pro]QPQQQPPQPQ